The following is an entry in ClinVar:

NM_001081.4(CUBN):c.7667G>A (p.Gly2556Asp)

Gene: CUBN (cubilin; minus strand). Cytogenetic location: 10p13.
Variant type: single nucleotide variant.
Coding change: c.7667G>A on transcript NM_001081.4 (MANE Select); coding-DNA position 7667, G replaced by A.
Protein change: p.Gly2556Asp; replaces glycine 2556 with aspartic acid.
Molecular consequence: missense variant.
Genome position (GRCh38, 1-based): chr10:16,907,546, C>T on the plus strand (G>A on the coding strand, the complement: CUBN is on the minus strand). VCF-style: chr10-16907546-C-T. GRCh37 (hg19) VCF-style: chr10-16949545-C-T.
Other names: short protein forms G2556D.
Identifiers: ClinVar variation 2194207 (VCV002194207.3), dbSNP rs780148441, ClinGen allele CA5423287.

ClinVar aggregate classification (germline): Uncertain significance. Review status: criteria provided, multiple submitters, no conflicts (2 of 4 stars). 2 submissions from 2 submitters: Uncertain significance (2). Last evaluated 2024-09-24.

Conditions:
Imerslund-Grasbeck syndrome. Also called: ENTEROCYTE COBALAMIN MALABSORPTION; ENTEROCYTE INTRINSIC FACTOR RECEPTOR, DEFECT OF; Megaloblastic anemia due to inborn errors of metabolism; Imerslund-Gräsbeck syndrome; PERNICIOUS ANEMIA, JUVENILE, DUE TO SELECTIVE INTESTINAL MALABSORPTION OF VITAMIN B12, WITH PROTEINURIA. Identifiers: Orphanet 35858, MedGen C4551825, MONDO:0009853.

Allele frequency attached by ClinVar (database versions not stated): TOPMed 0.00001; ExAC 0.00004; gnomAD exomes 0.00004.
gnomAD v4.1: 22 of 1,614,126 alleles (0.0014%); highest among the groups gnomAD compares: South Asian, 0.013%; no homozygotes.

Submissions (2):

Blueprint Genetics
Classification: Uncertain significance. Last evaluated: 2024-09-24. Review status: criteria provided, single submitter. Criteria: ACMG Guidelines, 2015. Collection method: clinical testing. Allele origin: germline.

Labcorp Genetics (formerly Invitae), Labcorp
Classification: Uncertain significance for Imerslund-Grasbeck syndrome. Last evaluated: 2022-07-20. Review status: criteria provided, single submitter. Criteria: Invitae Variant Classification Sherloc (09022015). Collection method: clinical testing. Allele origin: germline.
Comment: In summary, the available evidence is currently insufficient to determine the role of this variant in disease. Therefore, it has been classified as a Variant of Uncertain Significance. Algorithms developed to predict the effect of missense changes on protein structure and function are either unavailable or do not agree on the potential impact of this missense change (SIFT: "Tolerated"; PolyPhen-2: "Probably Damaging"; Align-GVGD: "Class C0"). This variant has not been reported in the literature in individuals affected with CUBN-related conditions. This variant is present in population databases (rs780148441, gnomAD 0.02%). This sequence change replaces glycine, which is neutral and non-polar, with aspartic acid, which is acidic and polar, at codon 2556 of the CUBN protein (p.Gly2556Asp).